The following is an entry in ClinVar:

NM_004385.5(VCAN):c.1281T>C (p.Thr427=)

Gene: VCAN (versican; plus strand). Cytogenetic location: 5q14.3.
Variant type: single nucleotide variant.
Coding change: c.1281T>C on transcript NM_004385.5 (MANE Select); coding-DNA position 1281, T replaced by C.
Protein change: p.Thr427=; no amino-acid change (threonine 427 retained).
Molecular consequence: synonymous variant. On other transcripts: intron variant (2).
Genome position (GRCh38, 1-based): chr5:83,519,587, T>C. VCF-style: chr5-83519587-T-C. GRCh37 (hg19) VCF-style: chr5-82815406-T-C.
Other names: c.1281T>C, p.Thr427= (NM_001164098.2); c.1042+7191T>C (NM_001164097.2, NM_001126336.3).
Identifiers: ClinVar variation 759951 (VCV000759951.14), dbSNP rs144399722, ClinGen allele CA3332641.
Genomic context (GRCh38, chr5:83,519,587, plus strand): 5'-AGCCACAGTCCAACCTCAGGCTATCACAGATAGTTTAGCCACCAAATTACCCACACCTAC[T>C]GGCAGTACCAAGAAGCCCTGGGATATGGATGACTACTCACCTTCTGCTTCAGGACCTCTT-3'
Protein context (NP_004376.2, residues 417-437): DSLATKLPTP[Thr427=]GSTKKPWDMD

ClinVar aggregate classification (germline): Benign/Likely benign. Review status: criteria provided, multiple submitters, no conflicts (2 of 4 stars). 3 submissions from 3 submitters: Benign (1); Likely benign (1). 1 of the submissions does not count toward it. Last evaluated 2026-01-27.

Conditions:
VCAN-related disorder. Also called: VCAN-related condition.

Allele frequency attached by ClinVar (database versions not stated): gnomAD exomes 0.00009 and 0.00028; ExAC 0.00035; ESP Exome Variant Server 0.00085; TOPMed 0.00131; gnomAD 0.00135 and 0.00140; 1000 Genomes Project 0.00200; 1000 Genomes Project 30x 0.00234.
gnomAD v4.1: 339 of 1,614,130 alleles (0.021%); highest among the groups gnomAD compares: African/African-American, 0.42%; no homozygotes.

Submissions (3):

Labcorp Genetics (formerly Invitae), Labcorp
Classification: Benign. Last evaluated: 2026-01-27. Review status: criteria provided, single submitter. Criteria: Invitae Variant Classification Sherloc (09022015). Collection method: clinical testing. Allele origin: germline.

Blueprint Genetics
Classification: Likely benign. Last evaluated: 2024-09-24. Review status: criteria provided, single submitter. Criteria: ACMG Guidelines, 2015. Collection method: clinical testing. Allele origin: germline.

PreventionGenetics, part of Exact Sciences
Classification: Benign for VCAN-related condition. Last evaluated: 2019-07-31. Review status: no assertion criteria provided. Collection method: clinical testing. Allele origin: germline. Not counted in ClinVar's aggregate classification.
Comment: This variant is classified as benign based on ACMG/AMP sequence variant interpretation guidelines (Richards et al. 2015 PMID: 25741868, with internal and published modifications).